The following is an entry in ClinVar:

ClinVar aggregate classification (germline): Uncertain significance. Review status: criteria provided, multiple submitters, no conflicts (2 of 4 stars). 2 submissions from 2 submitters: Uncertain significance (2). Last evaluated 2025-08-22.

Conditions:
Spastic paraplegia. Identifiers: MedGen C0037772, HP:0001258.
KIF5A-related disorder. Also called: KIF5A-related disorders; KIF5A-related condition.

Submissions (2):

PreventionGenetics, part of Exact Sciences
Classification: Uncertain significance for KIF5A-related condition. Last evaluated: 2025-08-22. Review status: criteria provided, single submitter. Criteria: ACMG Guidelines, 2015. Collection method: clinical testing. Allele origin: germline.
Comment: The KIF5A c.4_5delinsAA variant is predicted to result in an in-frame deletion and insertion. To our knowledge, this variant has not been reported in the literature or in a large population database (gnomAD), indicating this variant is rare. At this time, the clinical significance of this variant is uncertain due to the absence of conclusive functional and genetic evidence.

Labcorp Genetics (formerly Invitae), Labcorp
Classification: Uncertain significance for Spastic paraplegia. Last evaluated: 2022-11-23. Review status: criteria provided, single submitter. Criteria: Invitae Variant Classification Sherloc (09022015). Collection method: clinical testing. Allele origin: germline.
Comment: This sequence change replaces alanine, which is neutral and non-polar, with lysine, which is basic and polar, at codon 2 of the KIF5A protein (p.Ala2Lys). Information on the frequency of this variant in the gnomAD database is not available, as this variant may be reported differently in the database. This variant has not been reported in the literature in individuals affected with KIF5A-related conditions. ClinVar contains an entry for this variant (Variation ID: 1438854). Algorithms developed to predict the effect of missense changes on protein structure and function are either unavailable or do not agree on the potential impact of this missense change (SIFT: "Not Available"; PolyPhen-2: "Possibly Damaging"; Align-GVGD: "Not Available"). In summary, the available evidence is currently insufficient to determine the role of this variant in disease. Therefore, it has been classified as a Variant of Uncertain Significance.

NM_004984.4(KIF5A):c.4_5delinsAA (p.Ala2Lys)

Gene: KIF5A (kinesin family member 5A; plus strand). Cytogenetic location: 12q13.3.
Variant type: Indel.
Coding change: c.4_5delinsAA on transcript NM_004984.4 (MANE Select); coding-DNA positions 4 to 5, GC replaced by AA.
Protein change: p.Ala2Lys; replaces alanine 2 with lysine.
Molecular consequence: missense variant.
Genome position (GRCh38, 1-based): chr12:57,550,275-57,550,276, GC replaced by AA. VCF-style: chr12-57550275-GC-AA. GRCh37 (hg19) VCF-style: chr12-57944058-GC-AA.
Other names: c.4_5delinsAA, p.Ala2Lys (NM_001354705.2); c.4_5delinsAA (NM_004984.2); short protein forms A2K.
Identifiers: ClinVar variation 1438854 (VCV001438854.8), dbSNP rs2140150082, ClinGen allele CA2573148846.